The following is an entry in ClinVar:

Conditions:
Arteriohepatic dysplasia. Also called: Alagille Syndrome. Identifiers: Orphanet 52, MedGen C0085280, MeSH D016738, MONDO:0007318.

Submission:

Gilbert/Spinner Lab, Children's Hospital of Philadelphia
No classification provided (evidence only). Condition: Alagille syndrome. Review status: no classification provided. Collection method: research. Allele origin: not applicable. Functional consequence: functionally_abnormal.
ClinVar note: "not provided" was previously submitted as the classification for the variant. However, the classification appeared to be based only on an observation of functional data so it was converted to no classification on 2025-07-30.

NM_000214.3(JAG1):c.137A>G (p.Asn46Ser)

Gene: JAG1 (jagged canonical Notch ligand 1; minus strand). Cytogenetic location: 20p12.2.
Variant type: single nucleotide variant.
Coding change: c.137A>G on transcript NM_000214.3 (MANE Select); coding-DNA position 137, A replaced by G.
Protein change: p.Asn46Ser; replaces asparagine 46 with serine.
Molecular consequence: missense variant.
Genome position (GRCh38, 1-based): chr20:10,672,951, T>C on the plus strand (A>G on the coding strand, the complement: JAG1 is on the minus strand). VCF-style: chr20-10672951-T-C. GRCh37 (hg19) VCF-style: chr20-10653599-T-C.
Other names: short protein forms N46S.
Identifiers: ClinVar variation 3573248 (VCV003573248.2).